The following is an entry in ClinVar:

NM_032119.4(ADGRV1):c.6466_6467insTCT (p.Ala2156delinsValSer)

Gene: ADGRV1 (adhesion G protein-coupled receptor V1; plus strand). Cytogenetic location: 5q14.3.
Variant type: Insertion.
Coding change: c.6466_6467insTCT on transcript NM_032119.4 (MANE Select); coding-DNA positions 6466 to 6467, TCT inserted.
Protein change: p.Ala2156delinsValSer.
Molecular consequence: inframe indel. On other transcripts: non-coding transcript variant (1).
Genome position: GRCh38 VCF-style: chr5-90685971-G-GTCT. GRCh37 (hg19) VCF-style: chr5-89981788-G-GTCT.
Identifiers: ClinVar variation 1521477 (VCV001521477.6), dbSNP rs2149595577, ClinGen allele CA2573139988.

ClinVar aggregate classification (germline): Uncertain significance (1 of 4 stars; one submission).

Submission:

Labcorp Genetics (formerly Invitae), Labcorp
Classification: Uncertain significance. Last evaluated: 2021-09-26. Review status: criteria provided, single submitter. Criteria: Invitae Variant Classification Sherloc (09022015). Collection method: clinical testing. Allele origin: germline.
Comment: Experimental studies and prediction algorithms are not available or were not evaluated, and the functional significance of this variant is currently unknown. This variant has not been reported in the literature in individuals affected with ADGRV1-related conditions. This variant is not present in population databases (ExAC no frequency). This variant, c.6466_6467insTCT, is a complex sequence change that results in the deletion of 1 and insertion of 2 amino acid(s) in the ADGRV1 protein (p.Ala2156delinsValSer). In summary, the available evidence is currently insufficient to determine the role of this variant in disease. Therefore, it has been classified as a Variant of Uncertain Significance.